The following is an entry in ClinVar:

NM_000179.3(MSH6):c.130C>A (p.Pro44Thr)

Gene: MSH6 (mutS homolog 6; plus strand). Cytogenetic location: 2p16.3.
Variant type: single nucleotide variant.
Coding change: c.130C>A on transcript NM_000179.3 (MANE Select); coding-DNA position 130, C replaced by A.
Protein change: p.Pro44Thr; replaces proline 44 with threonine.
Molecular consequence: missense variant. On other transcripts: 5 prime UTR variant (1).
Genome position (GRCh38, 1-based): chr2:47,783,363, C>A. VCF-style: chr2-47783363-C-A. GRCh37 (hg19) VCF-style: chr2-48010502-C-A.
Other names: c.130C>A, p.Pro44Thr (NM_001281492.2); c.-607C>A (NM_001281493.2); short protein forms P44T.
Identifiers: ClinVar variation 577191 (VCV000577191.12), dbSNP rs1558645097, ClinGen allele CA346734890.

ClinVar aggregate classification (germline): Uncertain significance (1 of 4 stars; one submission).

Conditions:
Hereditary nonpolyposis colorectal neoplasms. Identifiers: MedGen C0009405, MeSH D003123.

gnomAD v4.1: 2 of 1,605,298 alleles (0.00012%); highest among the groups gnomAD compares: Non-Finnish European, 0.00017%; no homozygotes.

Submission:

Labcorp Genetics (formerly Invitae), Labcorp
Classification: Uncertain significance for Hereditary nonpolyposis colorectal neoplasms. Last evaluated: 2025-03-12. Review status: criteria provided, single submitter. Criteria: Invitae Variant Classification Sherloc (09022015). Collection method: clinical testing. Allele origin: germline.
Comment: This sequence change replaces proline, which is neutral and non-polar, with threonine, which is neutral and polar, at codon 44 of the MSH6 protein (p.Pro44Thr). This variant is not present in population databases (gnomAD no frequency). This variant has not been reported in the literature in individuals affected with MSH6-related conditions. ClinVar contains an entry for this variant (Variation ID: 577191). Invitae Evidence Modeling of protein sequence and biophysical properties (such as structural, functional, and spatial information, amino acid conservation, physicochemical variation, residue mobility, and thermodynamic stability) indicates that this missense variant is not expected to disrupt MSH6 protein function with a negative predictive value of 95%. In summary, the available evidence is currently insufficient to determine the role of this variant in disease. Therefore, it has been classified as a Variant of Uncertain Significance.